The following is an entry in ClinVar:

ClinVar aggregate classification (germline): Uncertain significance (1 of 4 stars; one submission).

Conditions:
Inborn genetic diseases. Identifiers: MedGen C0950123, MeSH D030342.

Submission:

Ambry Genetics
Classification: Uncertain significance for Inborn genetic diseases. Last evaluated: 2025-09-07. Review status: criteria provided, single submitter. Criteria: Ambry Variant Classification Scheme 2023. Collection method: clinical testing. Allele origin: germline.
Comment: The p.V590M variant (also known as c.1768G>A), located in coding exon 20 of the RTEL1 gene, results from a G to A substitution at nucleotide position 1768. The valine at codon 590 is replaced by methionine, an amino acid with highly similar properties. This amino acid position is conserved. In addition, this alteration is predicted to be deleterious by in silico analysis. Based on the available evidence, the clinical significance of this variant remains unclear.

NM_001283009.2(RTEL1):c.1768G>A (p.Val590Met)

Genes: RTEL1 (regulator of telomere elongation helicase 1; plus strand), RTEL1-TNFRSF6B (RTEL1-TNFRSF6B readthrough (NMD candidate); plus strand). Cytogenetic location: 20q13.33.
Variant type: single nucleotide variant.
Coding change: c.1768G>A on transcript NM_001283009.2 (MANE Select); coding-DNA position 1768, G replaced by A.
Protein change: p.Val590Met; replaces valine 590 with methionine.
Molecular consequence: missense variant. On other transcripts: non-coding transcript variant (1).
Genome position (GRCh38, 1-based): chr20:63,688,573, G>A. VCF-style: chr20-63688573-G-A. GRCh37 (hg19) VCF-style: chr20-62319926-G-A.
Other names: c.1099G>A, p.Val367Met (NM_001283010.1); c.1768G>A, p.Val590Met (NM_016434.4); c.1840G>A, p.Val614Met (NM_032957.5); short protein forms V367M, V590M, V614M.
Identifiers: ClinVar variation 4157727 (VCV004157727.1).